The following is an entry in ClinVar:

NM_014780.5(CUL7):c.5072C>T (p.Thr1691Ile)

Gene: CUL7 (cullin 7; minus strand). Cytogenetic location: 6p21.1.
Variant type: single nucleotide variant.
Coding change: c.5072C>T on transcript NM_014780.5 (MANE Select); coding-DNA position 5072, C replaced by T.
Protein change: p.Thr1691Ile; replaces threonine 1691 with isoleucine.
Molecular consequence: missense variant.
Genome position (GRCh38, 1-based): chr6:43,037,713, G>A on the plus strand (C>T on the coding strand, the complement: CUL7 is on the minus strand). VCF-style: chr6-43037713-G-A. GRCh37 (hg19) VCF-style: chr6-43005451-G-A.
Other names: c.5168C>T, p.Thr1723Ile (NM_001168370.2, NM_001374872.1); c.5084C>T, p.Thr1695Ile (NM_001374873.1); c.5069C>T, p.Thr1690Ile (NM_001374874.1); short protein forms T1691I, T1690I, T1695I, T1723I.
Identifiers: ClinVar variation 356814 (VCV000356814.9), dbSNP rs140092102, ClinGen allele CA3813051.
Genomic context (GRCh38, chr6:43,037,713, plus strand): 5'-TCCAGCTCTACCTTCCCCTGACCCCAAGTCTAGGGCTACCGGAAGGTAGAGAAGCTCTGG[G>A]TGGCAGTGCAGGAGGCATAGGGCACACCCCGGGAGCGAATCTGTAGGGTATGGAAGGTGA-3'
Protein context (NP_055595.2, residues 1681-1698): RGVPYASCTA[Thr1691Ile]QSFSTFR

ClinVar aggregate classification (germline): Uncertain significance. Review status: criteria provided, multiple submitters, no conflicts (2 of 4 stars). 3 submissions from 3 submitters: Uncertain significance (3). Last evaluated 2023-05-17.

Conditions:
3M syndrome 1. Also called: 3-M Syndrome, CUL7-Related. Identifiers: Orphanet 2616, MedGen C2678312, MONDO:0010117, OMIM 273750.

Allele frequency attached by ClinVar (database versions not stated): ExAC 0.00004; gnomAD 0.00010; gnomAD exomes 0.00010 and 0.00014; TOPMed 0.00014; ESP Exome Variant Server 0.00046.

Submissions (3):

Blueprint Genetics
Classification: Uncertain significance. Last evaluated: 2023-05-17. Review status: criteria provided, single submitter. Criteria: ACMG Guidelines, 2015. Collection method: clinical testing. Allele origin: germline.

Labcorp Genetics (formerly Invitae), Labcorp
Classification: Uncertain significance. Last evaluated: 2022-12-21. Review status: criteria provided, single submitter. Criteria: Invitae Variant Classification Sherloc (09022015). Collection method: clinical testing. Allele origin: germline.
Comment: In summary, the available evidence is currently insufficient to determine the role of this variant in disease. Therefore, it has been classified as a Variant of Uncertain Significance. Algorithms developed to predict the effect of missense changes on protein structure and function are either unavailable or do not agree on the potential impact of this missense change (SIFT: "Tolerated"; PolyPhen-2: "Probably Damaging"; Align-GVGD: "Class C0"). ClinVar contains an entry for this variant (Variation ID: 356814). This variant has not been reported in the literature in individuals affected with CUL7-related conditions. This variant is present in population databases (rs140092102, gnomAD 0.02%). This sequence change replaces threonine, which is neutral and polar, with isoleucine, which is neutral and non-polar, at codon 1691 of the CUL7 protein (p.Thr1691Ile).

Illumina Laboratory Services, Illumina
Classification: Uncertain significance for 3M syndrome 1. Last evaluated: 2018-01-13. Review status: criteria provided, single submitter. Criteria: ICSL Variant Classification Criteria 13 December 2019. Collection method: clinical testing. Allele origin: germline.